The following is an entry in ClinVar:

NM_032430.2(BRSK1):c.1450_1483del (p.Arg484fs)

Gene: BRSK1 (BR serine/threonine kinase 1; plus strand). Cytogenetic location: 19q13.42.
Variant type: Deletion.
Coding change: c.1450_1483del on transcript NM_032430.2 (MANE Select); coding-DNA positions 1450 to 1483, 34 bases deleted.
Protein change: p.Arg484fs; shifts the reading frame from arginine 484.
Molecular consequence: frameshift variant.
Genome position (GRCh38, 1-based): chr19:55,304,653-55,304,686, 34 bases deleted; deleting any 34 consecutive bases within chr19:55,304,648-55,304,686 gives the same sequence; the c. name uses the placement nearest the transcript's 3' end. GRCh37 (hg19): chr19:55,816,021-55,816,054.
Other names: short protein forms R484fs.
Identifiers: ClinVar variation 4819172 (VCV004819172.1).

ClinVar aggregate classification (germline): Pathogenic (1 of 4 stars; one submission).

Conditions:
BRSK1-associated neurodevelopmental disorder.

Submission:

Institute of Human Genetics, University of Leipzig Medical Center
Classification: Pathogenic for BRSK1-associated neurodevelopmental disorder. Last evaluated: 2026-01-29. Review status: criteria provided, single submitter. Criteria: ACMG Guidelines, 2015. Collection method: clinical testing. Allele origin: unknown. Inheritance: Autosomal dominant inheritance. Affected: yes.
Comment: Criteria applied: PVS1,PM2

Literature cited by the submitters: PubMed 41035394.